The following is an entry in ClinVar:

ClinVar aggregate classification (germline): Uncertain significance. Review status: criteria provided, multiple submitters, no conflicts (2 of 4 stars). 2 submissions from 2 submitters: Uncertain significance (2). Last evaluated 2023-04-06.

Conditions:
Inborn genetic diseases. Identifiers: MedGen C0950123, MeSH D030342.

Allele frequency attached by ClinVar (database versions not stated): ExAC 0.00002; gnomAD 0.00002; TOPMed 0.00001.
gnomAD v4.1: 14 of 1,614,058 alleles (0.00087%); highest among the groups gnomAD compares: Non-Finnish European, 0.0012%; no homozygotes.

Submissions (2):

Ambry Genetics
Classification: Uncertain significance for Inborn genetic diseases. Last evaluated: 2023-04-06. Review status: criteria provided, single submitter. Criteria: Ambry Variant Classification Scheme 2023. Collection method: clinical testing. Allele origin: germline.

Labcorp Genetics (formerly Invitae), Labcorp
Classification: Uncertain significance. Last evaluated: 2022-03-22. Review status: criteria provided, single submitter. Criteria: Invitae Variant Classification Sherloc (09022015). Collection method: clinical testing. Allele origin: germline.
Comment: This sequence change replaces histidine, which is basic and polar, with arginine, which is basic and polar, at codon 399 of the TBCE protein (p.His399Arg). This variant is present in population databases (rs762203329, gnomAD 0.002%). This variant has not been reported in the literature in individuals affected with TBCE-related conditions. Algorithms developed to predict the effect of missense changes on protein structure and function (SIFT, PolyPhen-2, Align-GVGD) all suggest that this variant is likely to be tolerated. Algorithms developed to predict the effect of sequence changes on RNA splicing suggest that this variant may create or strengthen a splice site. In summary, the available evidence is currently insufficient to determine the role of this variant in disease. Therefore, it has been classified as a Variant of Uncertain Significance.

NM_003193.5(TBCE):c.1196A>G (p.His399Arg)

Gene: TBCE (tubulin folding cofactor E; plus strand). Cytogenetic location: 1q42.3.
Variant type: single nucleotide variant.
Coding change: c.1196A>G on transcript NM_003193.5 (MANE Select); coding-DNA position 1196, A replaced by G.
Protein change: p.His399Arg; replaces histidine 399 with arginine.
Molecular consequence: missense variant.
Genome position (GRCh38, 1-based): chr1:235,438,848, A>G. VCF-style: chr1-235438848-A-G. GRCh37 (hg19) VCF-style: chr1-235602163-A-G.
Other names: c.1196A>G, p.His399Arg (NM_001079515.3); c.1349A>G, p.His450Arg (NM_001287801.2); c.857A>G, p.His286Arg (NM_001287802.2); c.1196A>G (NM_003193.3); short protein forms H286R, H450R, H399R.
Identifiers: ClinVar variation 1463543 (VCV001463543.5), dbSNP rs762203329, ClinGen allele CA1464372.